The following is an entry in ClinVar:

NM_000236.3(LIPC):c.1280C>T (p.Ala427Val)

Gene: LIPC (lipase C, hepatic type; plus strand). Cytogenetic location: 15q21.3.
Variant type: single nucleotide variant.
Coding change: c.1280C>T on transcript NM_000236.3 (MANE Select); coding-DNA position 1280, C replaced by T.
Protein change: p.Ala427Val; replaces alanine 427 with valine.
Molecular consequence: missense variant.
Genome position (GRCh38, 1-based): chr15:58,563,615, C>T. VCF-style: chr15-58563615-C-T. GRCh37 (hg19) VCF-style: chr15-58855814-C-T.
Other names: short protein forms A427V.
Identifiers: ClinVar variation 3730931 (VCV003730931.1).

ClinVar aggregate classification (germline): Uncertain significance (1 of 4 stars; one submission).

gnomAD v4.1: 1 of 1,614,100 alleles (0.000062%); highest among the groups gnomAD compares: African/African-American, 0.0013%; no homozygotes.

Submission:

GeneDx
Classification: Uncertain significance. Last evaluated: 2024-08-15. Review status: criteria provided, single submitter. Criteria: GeneDx Variant Classification Process June 2021. Collection method: clinical testing. Allele origin: germline. Affected: yes.
Comment: Not observed at significant frequency in large population cohorts (gnomAD); In silico analysis indicates that this missense variant does not alter protein structure/function; This variant is associated with the following publications: (PMID: 36325899)